The following is an entry in ClinVar:

ClinVar aggregate classification (germline): Likely benign. Review status: criteria provided, multiple submitters, no conflicts (2 of 4 stars). 2 submissions from 2 submitters: Likely benign (2). Last evaluated 2025-07-02.

Allele frequency attached by ClinVar (database versions not stated): TOPMed 0.00004; gnomAD 0.00005 and 0.00006; gnomAD exomes 0.00009 and 0.00011; ExAC 0.00012.
gnomAD v4.1: 149 of 1,613,248 alleles (0.0092%); highest among the groups gnomAD compares: Admixed American, 0.017%; 1 homozygote.

Submissions (2):

Labcorp Genetics (formerly Invitae), Labcorp
Classification: Likely benign. Last evaluated: 2025-07-02. Review status: criteria provided, single submitter. Criteria: Invitae Variant Classification Sherloc (09022015). Collection method: clinical testing. Allele origin: germline.

CeGaT Center for Human Genetics Tuebingen
Classification: Likely benign. Last evaluated: 2023-01-01. Review status: criteria provided, single submitter. Criteria: CeGaT Center For Human Genetics Tuebingen Variant Classification Criteria Version 2. Collection method: clinical testing. Allele origin: germline. Affected: yes. Observed: 1 variant allele.
Comment: PPP2R1A: BP4, BP7

NM_014225.6(PPP2R1A):c.600C>T (p.Asn200=)

Gene: PPP2R1A (protein phosphatase 2 scaffold subunit Aalpha; plus strand). Cytogenetic location: 19q13.41.
Variant type: single nucleotide variant.
Coding change: c.600C>T on transcript NM_014225.6 (MANE Select); coding-DNA position 600, C replaced by T.
Protein change: p.Asn200=; no amino-acid change (asparagine 200 retained).
Molecular consequence: synonymous variant. On other transcripts: non-coding transcript variant (1).
Genome position (GRCh38, 1-based): chr19:52,212,782, C>T. VCF-style: chr19-52212782-C-T. GRCh37 (hg19) VCF-style: chr19-52716035-C-T.
Other names: c.63C>T, p.Asn21= (NM_001363656.2).
Identifiers: ClinVar variation 1560100 (VCV001560100.31), dbSNP rs764764277, ClinGen allele CA9621374.